The following is an entry in ClinVar:

NM_000829.4(GRIA4):c.1601C>T (p.Pro534Leu)

Gene: GRIA4 (glutamate ionotropic receptor AMPA type subunit 4; plus strand). Cytogenetic location: 11q22.3.
Variant type: single nucleotide variant.
Coding change: c.1601C>T on transcript NM_000829.4 (MANE Select); coding-DNA position 1601, C replaced by T.
Protein change: p.Pro534Leu; replaces proline 534 with leucine.
Molecular consequence: missense variant. On other transcripts: non-coding transcript variant (1), intron variant (2).
Genome position (GRCh38, 1-based): chr11:105,924,523, C>T. VCF-style: chr11-105924523-C-T. GRCh37 (hg19) VCF-style: chr11-105795249-C-T.
Other names: c.1601C>T, p.Pro534Leu (NM_001077243.3, NM_001440382.1, NM_001440383.1 and 10 more transcripts); c.1580C>T, p.Pro527Leu (NM_001440388.1, NM_001440389.1, NM_001440390.1); c.1394C>T, p.Pro465Leu (NM_001440394.1); c.1455+5626C>T (NM_001440398.1); c.1158+19222C>T (NM_001440399.1); short protein forms P465L, P527L, P534L.
Identifiers: ClinVar variation 4975986 (VCV004975986.1).
Genomic context (GRCh38, chr11:105,924,523, plus strand): 5'-CTAAGCCCTTCATGAGTTTGGGCATATCTATCATGATCAAAAAGCCTCAGAAATCCAAAC[C>T]AGGAGTGTTTTCCTTCTTGGATCCTCTGGCCTATGAGATTTGGATGTGCATAGTCTTTGC-3'
Protein context (NP_000820.4, residues 524-544): IMIKKPQKSK[Pro534Leu]GVFSFLDPLA

ClinVar aggregate classification (germline): Uncertain significance (1 of 4 stars; one submission).

Submission:

GeneDx
Classification: Uncertain significance. Last evaluated: 2026-01-31. Review status: criteria provided, single submitter. Criteria: GeneDx Variant Classification Process June 2021. Collection method: clinical testing. Allele origin: germline.
Comment: Not observed at significant frequency in large population cohorts (gnomAD); In silico analysis supports that this missense variant has a deleterious effect on protein structure/function; Has not been previously published as pathogenic or benign to our knowledge